The following is an entry in ClinVar:

NM_020771.4(HACE1):c.665A>G (p.Lys222Arg)

Gene: HACE1 (HECT domain and ankyrin repeat containing E3 ubiquitin protein ligase 1; minus strand). Cytogenetic location: 6q16.3.
Variant type: single nucleotide variant.
Coding change: c.665A>G on transcript NM_020771.4 (MANE Select); coding-DNA position 665, A replaced by G.
Protein change: p.Lys222Arg; replaces lysine 222 with arginine.
Molecular consequence: missense variant. On other transcripts: 5 prime UTR variant (1), non-coding transcript variant (7).
Genome position (GRCh38, 1-based): chr6:104,796,978, T>C on the plus strand (A>G on the coding strand, the complement: HACE1 is on the minus strand). VCF-style: chr6-104796978-T-C. GRCh37 (hg19) VCF-style: chr6-105244853-T-C.
Other names: c.533A>G, p.Lys178Arg (NM_001321080.2); c.563A>G, p.Lys188Arg (NM_001321083.2); c.161A>G, p.Lys54Arg (NM_001321084.2, NM_001350557.2, NM_001350558.2); c.431A>G, p.Lys144Arg (NM_001350554.2); c.374A>G, p.Lys125Arg (NM_001350555.2); c.179A>G, p.Lys60Arg (NM_001350556.2); c.83A>G, p.Lys28Arg (NM_001350559.2); c.-119A>G (NM_001350560.2); short protein forms K125R, K188R, K144R, K178R, K28R, K54R, K60R, K222R.
Identifiers: ClinVar variation 2015835 (VCV002015835.4), dbSNP rs200547628, ClinGen allele CA365138569.
Genomic context (GRCh38, chr6:104,796,978, plus strand): 5'-GAAAAACACACCTGTACACATAAATCCAGAGGAGTTACTCCATTTTTATCTGGCAGATAT[T>C]TGGCTCCTCGTAATAGTAGGATCTGTGCTGTATCTCTCTGACCATGACTGTGTGGAAATA-3'
Protein context (NP_065822.2, residues 212-232): TAQILLLRGA[Lys222Arg]YLPDKNGVTP

ClinVar aggregate classification (germline): Uncertain significance (1 of 4 stars; one submission).

gnomAD v4.1: 2 of 1,605,616 alleles (0.00012%); highest among the groups gnomAD compares: Non-Finnish European, 0.00017%; no homozygotes.

Submission:

Labcorp Genetics (formerly Invitae), Labcorp
Classification: Uncertain significance. Last evaluated: 2022-10-17. Review status: criteria provided, single submitter. Criteria: Invitae Variant Classification Sherloc (09022015). Collection method: clinical testing. Allele origin: germline.
Comment: Advanced modeling of protein sequence and biophysical properties (such as structural, functional, and spatial information, amino acid conservation, physicochemical variation, residue mobility, and thermodynamic stability) performed at Invitae indicates that this missense variant is not expected to disrupt HACE1 protein function. This sequence change replaces lysine, which is basic and polar, with arginine, which is basic and polar, at codon 222 of the HACE1 protein (p.Lys222Arg). This variant is not present in population databases (gnomAD no frequency). This variant has not been reported in the literature in individuals affected with HACE1-related conditions. In summary, the available evidence is currently insufficient to determine the role of this variant in disease. Therefore, it has been classified as a Variant of Uncertain Significance.